The following is an entry in ClinVar:

NM_017739.4(POMGNT1):c.421-7C>A

Genes: POMGNT1 (protein O-linked mannose N-acetylglucosaminyltransferase 1 (beta 1,2-); minus strand), TSPAN1 (tetraspanin 1; plus strand). Cytogenetic location: 1p34.1.
Variant type: single nucleotide variant.
Coding change: c.421-7C>A on transcript NM_017739.4 (MANE Select); 7 bases into the intron before coding-DNA position 421, C replaced by A.
Molecular consequence: intron variant.
Genome position (GRCh38, 1-based): chr1:46,195,931, G>T on the plus strand (C>A on the coding strand, the complement: POMGNT1 is on the minus strand). VCF-style: chr1-46195931-G-T. GRCh37 (hg19) VCF-style: chr1-46661603-G-T.
Other names: c.421-7C>A (NM_001243766.2, NM_001438686.1, NM_001438688.1 and 3 more transcripts); c.355-7C>A (NM_001290129.3, NM_001438691.1, NM_001438692.1); c.-9-7C>A (NM_001290130.2).
Identifiers: ClinVar variation 198222 (VCV000198222.55), dbSNP rs189274856, ClinGen allele CA246764.

ClinVar aggregate classification (germline): Conflicting classifications of pathogenicity. Review status: criteria provided, conflicting classifications (1 of 4 stars). 12 submissions from 11 submitters: Uncertain significance (5); Benign (1); Likely benign (4). 2 of the submissions do not count toward it. Last evaluated 2026-02-04.

Conditions:
POMGNT1-related disorder. Also called: POMGNT1-related condition; POMGNT1-related disorders. Identifiers: MedGen CN239299.
Congenital Muscular Dystrophy, alpha-dystroglycan related.
Muscular dystrophy-dystroglycanopathy (congenital with impaired intellectual development), type B, 3. Also called: MUSCULAR DYSTROPHY, CONGENITAL, POMGNT1-RELATED; Muscular dystrophy-dystroglycanopathy (congenital with intellectual disability), type B3. Identifiers: MedGen C3150412, MONDO:0013155, OMIM 613151.
Autosomal recessive limb-girdle muscular dystrophy type 2O. Also called: Limb-Girdle Muscular Dystrophy Type 3C; MUSCULAR DYSTROPHY-DYSTROGLYCANOPATHY (LIMB-GIRDLE), TYPE C, 3; MUSCULAR DYSTROPHY-DYSTROGLYCANOPATHY, LIMB-GIRDLE, POMGNT1-RELATED. Identifiers: Orphanet 206564, MedGen C3150417, MONDO:0013161, OMIM 613157.
Muscle eye brain disease (MEB). Also called: Santavuori congenital muscular dystrophy. Identifiers: Orphanet 588, Orphanet 899, MedGen C0457133, MONDO:0018939.

Allele frequency attached by ClinVar (database versions not stated): 1000 Genomes Project 0.00020; 1000 Genomes Project 30x 0.00031; ESP Exome Variant Server 0.00038; ExAC 0.00042; gnomAD 0.00042 and 0.00049; gnomAD exomes 0.00050 and 0.00053; TOPMed 0.00080.
gnomAD v4.1: 801 of 1,614,140 alleles (0.05%); highest among the groups gnomAD compares: Admixed American, 0.21%; 1 homozygote.

Submissions (15):

Labcorp Genetics (formerly Invitae), Labcorp
Classification: Likely benign for Autosomal recessive limb-girdle muscular dystrophy type 2O; Muscular dystrophy-dystroglycanopathy (congenital with impaired intellectual development), type B, 3. Last evaluated: 2026-02-04. Review status: criteria provided, single submitter. Criteria: Invitae Variant Classification Sherloc (09022015). Collection method: clinical testing. Allele origin: germline.

Women's Health and Genetics/Laboratory Corporation of America, LabCorp
Classification: Likely benign. Last evaluated: 2025-04-28. Review status: criteria provided, single submitter. Criteria: LabCorp Variant Classification Summary - May 2015. Collection method: clinical testing. Allele origin: germline.

Blueprint Genetics
Classification: Uncertain significance. Last evaluated: 2024-09-13. Review status: criteria provided, single submitter. Criteria: ACMG Guidelines, 2015. Collection method: clinical testing. Allele origin: germline.

CeGaT Center for Human Genetics Tuebingen
Classification: Likely benign. Last evaluated: 2024-03-01. Review status: criteria provided, single submitter. Criteria: CeGaT Center For Human Genetics Tuebingen Variant Classification Criteria Version 2. Collection method: clinical testing. Allele origin: germline. Affected: yes. Observed: 1 variant allele.
Comment: POMGNT1: BP4

Athena Diagnostics
Classification: Uncertain significance. Last evaluated: 2022-08-25. Review status: criteria provided, single submitter. Criteria: Athena Diagnostics Criteria. Collection method: clinical testing. Allele origin: unknown.

Mayo Clinic Laboratories, Mayo Clinic
Classification: Likely benign. Last evaluated: 2020-06-08. Review status: criteria provided, single submitter. Criteria: ACMG Guidelines, 2015. Collection method: clinical testing. Allele origin: germline. Observed: 1 variant allele.

Eurofins Ntd Llc (ga)
Classification: Uncertain significance. Last evaluated: 2018-02-09. Review status: criteria provided, single submitter. Criteria: EGL ClinVar v180209 classification definitions. Collection method: clinical testing. Allele origin: germline. Observed: 9 variant alleles, 9 heterozygotes.

Illumina Laboratory Services, Illumina
Classification: Uncertain significance for Congenital Muscular Dystrophy, alpha-dystroglycan related. Last evaluated: 2018-01-12. Review status: criteria provided, single submitter. Criteria: ICSL Variant Classification Criteria 13 December 2019. Collection method: clinical testing. Allele origin: germline.

Illumina Laboratory Services, Illumina
Classification: Uncertain significance for Autosomal recessive limb-girdle muscular dystrophy type 2O. Last evaluated: 2018-01-12. Review status: criteria provided, single submitter. Criteria: ICSL Variant Classification Criteria 13 December 2019. Collection method: clinical testing. Allele origin: germline.

GeneDx
Classification: Benign. Last evaluated: 2015-09-04. Review status: criteria provided, single submitter. Criteria: GeneDx Variant Classification (06012015). Collection method: clinical testing. Allele origin: germline. Affected: yes.
Comment: This variant is considered likely benign or benign based on one or more of the following criteria: it is a conservative change, it occurs at a poorly conserved position in the protein, it is predicted to be benign by multiple in silico algorithms, and/or has population frequency not consistent with disease.

PreventionGenetics, part of Exact Sciences
Classification: Likely benign for POMGNT1-related condition. Last evaluated: 2022-03-16. Review status: no assertion criteria provided. Collection method: clinical testing. Allele origin: germline. Not counted in ClinVar's aggregate classification.
Comment: This variant is classified as likely benign based on ACMG/AMP sequence variant interpretation guidelines (Richards et al. 2015 PMID: 25741868, with internal and published modifications).

Natera, Inc.
Classification: Likely benign for Muscle-eye-brain disease. Last evaluated: 2019-11-11. Review status: no assertion criteria provided. Collection method: clinical testing. Allele origin: germline. Not counted in ClinVar's aggregate classification.

Dr. Peter K. Rogan Lab, Western University
No classification provided (evidence only). Condition: Lung cancer. Review status: no classification provided. Collection method: in vitro. Allele origin: not applicable. Functional consequence: skipped exon, retained intron. Not counted in ClinVar's aggregate classification.

Dr. Peter K. Rogan Lab, Western University
No classification provided (evidence only). Condition: Ovarian serous cystadenocarcinoma. Review status: no classification provided. Collection method: in vitro. Allele origin: not applicable. Functional consequence: retained intron. Not counted in ClinVar's aggregate classification.

Dr. Peter K. Rogan Lab, Western University
No classification provided (evidence only). Condition: Chronic lymphocytic leukemia/small lymphocytic lymphoma. Review status: no classification provided. Collection method: in vitro. Allele origin: not applicable. Functional consequence: retained intron. Not counted in ClinVar's aggregate classification.